The following is an entry in ClinVar:

NM_015443.4(KANSL1):c.2194ACA[1] (p.Thr733del)

Gene: KANSL1 (KAT8 regulatory NSL complex subunit 1). Cytogenetic location: 17q21.31.
Variant type: Microsatellite.
Coding change: c.2194ACA[1] on transcript NM_015443.4 (MANE Select); one copy of the 3-base unit ACA starting at c.2194.
Protein change: p.Thr733del; deletes threonine 733.
Genome position: GRCh38 VCF-style: chr17-46039705-CTGT-C. GRCh37 (hg19) VCF-style: chr17-44117071-CTGT-C.
Other names: c.2194ACA[1], p.Thr733del (NM_001193465.2, NM_001193466.2, NM_001379198.1 and 14 more transcripts); c.2092ACA[1], p.Thr699del (NM_001405859.1, NM_001405860.1, NM_001405861.1 and 1 more transcripts); c.928ACA[1], p.Thr311del (NM_001405882.1, NM_001405883.1, NM_001405884.1 and 1 more transcripts); short protein forms T733del, T311del, T699del.
Identifiers: ClinVar variation 3702912 (VCV003702912.3).

ClinVar aggregate classification (germline): Uncertain significance. Review status: criteria provided, multiple submitters, no conflicts (2 of 4 stars). 2 submissions from 2 submitters: Uncertain significance (2). Last evaluated 2024-03-19.

Conditions:
Koolen-de Vries syndrome (KDVS). Identifiers: Orphanet 96169, MedGen C1864871, MONDO:0012496, OMIM 610443.

Submissions (2):

Labcorp Genetics (formerly Invitae), Labcorp
Classification: Uncertain significance for Koolen-de Vries syndrome. Last evaluated: 2024-03-19. Review status: criteria provided, single submitter. Criteria: Invitae Variant Classification Sherloc (09022015). Collection method: clinical testing. Allele origin: germline.
Comment: This variant, c.2197_2199del, results in the deletion of 1 amino acid(s) of the KANSL1 protein (p.Thr733del), but otherwise preserves the integrity of the reading frame. This variant is present in population databases (no rsID available, gnomAD 0.0009%). This variant has not been reported in the literature in individuals affected with KANSL1-related conditions. In summary, the available evidence is currently insufficient to determine the role of this variant in disease. Therefore, it has been classified as a Variant of Uncertain Significance.

Blueprint Genetics
Classification: Uncertain significance. Last evaluated: 2021-11-16. Review status: criteria provided, single submitter. Criteria: ACMG Guidelines, 2015. Collection method: clinical testing. Allele origin: germline.